The following is an entry in ClinVar:

ClinVar aggregate classification (germline): Benign. Review status: criteria provided, multiple submitters, no conflicts (2 of 4 stars). 8 submissions from 8 submitters: Benign (7). 1 of the submissions does not count toward it. Last evaluated 2026-07-01.

Conditions:
Disorders of Intracellular Cobalamin Metabolism. Identifiers: MedGen CN043592.
Methylcobalamin deficiency type cblE (HMAE). Also called: HOMOCYSTINURIA-MEGALOBLASTIC ANEMIA, cblE COMPLEMENTATION TYPE; VITAMIN B12-RESPONSIVE HOMOCYSTINURIA, cblE TYPE; HOMOCYSTINURIA-MEGALOBLASTIC ANEMIA, cblE TYPE. Identifiers: Orphanet 2169, Orphanet 622, MedGen C1856057, MONDO:0009354, OMIM 236270.

Allele frequency attached by ClinVar (database versions not stated): 1000 Genomes Project 30x 0.00328; 1000 Genomes Project 0.00359; TOPMed 0.00609; gnomAD 0.00699 and 0.00700; ESP Exome Variant Server 0.00761; gnomAD exomes 0.00803 and 0.01020; ExAC 0.00887.
gnomAD v4.1: 15,831 of 1,614,060 alleles (0.98%); highest among the groups gnomAD compares: Non-Finnish European, 1.2%; 95 homozygotes.

Submissions (8):

CeGaT Center for Human Genetics Tuebingen
Classification: Benign. Last evaluated: 2026-07-01. Review status: criteria provided, single submitter. Criteria: CeGaT Center For Human Genetics Tuebingen Variant Classification Criteria Version 2. Collection method: clinical testing. Allele origin: germline. Affected: yes. Observed: 16 variant alleles.
Comment: MTRR: BP4, BP7, BS1, BS2

Labcorp Genetics (formerly Invitae), Labcorp
Classification: Benign for Methylcobalamin deficiency type cblE. Last evaluated: 2026-02-04. Review status: criteria provided, single submitter. Criteria: Invitae Variant Classification Sherloc (09022015). Collection method: clinical testing. Allele origin: germline.

Mayo Clinic Laboratories, Mayo Clinic
Classification: Benign. Last evaluated: 2025-07-23. Review status: criteria provided, single submitter. Criteria: ACMG Guidelines, 2015. Collection method: clinical testing. Allele origin: germline. Observed: 1 variant allele.
Comment: BA1, BP4, BP7

ARUP Laboratories, Molecular Genetics and Genomics, ARUP Laboratories
Classification: Benign. Last evaluated: 2024-09-03. Review status: criteria provided, single submitter. Criteria: ARUP Molecular Germline Variant Investigation Process 2024. Collection method: clinical testing. Allele origin: germline.

Illumina Laboratory Services, Illumina
Classification: Benign for Disorders of Intracellular Cobalamin Metabolism. Last evaluated: 2018-01-13. Review status: criteria provided, single submitter. Criteria: ICSL Variant Classification Criteria 13 December 2019. Collection method: clinical testing. Allele origin: germline.
Comment: This variant was observed in the ICSL laboratory as part of a predisposition screen in an ostensibly healthy population. It had not been previously curated by ICSL or reported in the Human Gene Mutation Database (HGMD: prior to June 1st, 2018), and was therefore a candidate for classification through an automated scoring system. Utilizing variant allele frequency, disease prevalence and penetrance estimates, and inheritance mode, an automated score was calculated to assess if this variant is too frequent to cause the disease. Based on the score and internal cut-off values, a variant classified as benign is not then subjected to further curation. The score for this variant resulted in a classification of benign for this disease.

GeneDx
Classification: Benign. Last evaluated: 2014-08-11. Review status: criteria provided, single submitter. Criteria: GeneDx Variant Classification (06012015). Collection method: clinical testing. Allele origin: germline. Affected: yes.
Comment: This variant is considered likely benign or benign based on one or more of the following criteria: it is a conservative change, it occurs at a poorly conserved position in the protein, it is predicted to be benign by multiple in silico algorithms, and/or has population frequency not consistent with disease.

Breakthrough Genomics
Classification: Benign. Review status: criteria provided, single submitter. Criteria: ACMG Guidelines, 2015. Collection method: not provided. Allele origin: germline. Inheritance: Autosomal recessive inheritance. Affected: yes.

Natera, Inc.
Classification: Benign for CblE complementation type homocystinuria-megaloblastic anemia due to defect in cobalamin metabolism. Last evaluated: 2020-09-16. Review status: no assertion criteria provided. Collection method: clinical testing. Allele origin: germline. Not counted in ClinVar's aggregate classification.

NM_002454.3(MTRR):c.1653G>A (p.Pro551=)

Gene: MTRR (5-methyltetrahydrofolate-homocysteine methyltransferase reductase; plus strand). Cytogenetic location: 5p15.31.
Variant type: single nucleotide variant.
Coding change: c.1653G>A on transcript NM_002454.3 (MANE Select); coding-DNA position 1653, G replaced by A.
Protein change: p.Pro551=; no amino-acid change (proline 551 retained).
Molecular consequence: synonymous variant. On other transcripts: non-coding transcript variant (14).
Genome position (GRCh38, 1-based): chr5:7,895,829, G>A. VCF-style: chr5-7895829-G-A. GRCh37 (hg19) VCF-style: chr5-7895942-G-A.
Other names: p.P578P:CCG>CCA; p.Pro551=; c.1653G>A, p.Pro551= (NM_001364440.2, NM_001364441.2, NM_001364442.2 and 1 more transcripts).
Identifiers: ClinVar variation 203840 (VCV000203840.51), dbSNP rs139206262, ClinGen allele CA312751.
Genomic context (GRCh38, chr5:7,895,829, plus strand): 5'-CTTACCAGATGACCCCTCAATCCCCATCATAATGGTGGGTCCAGGAACCGGCATAGCCCC[G>A]TTTATTGGGTTCCTACAACATAGGTATGTTCTTTTTTTGGCTAATGGGAAAATGTATTCC-3'
Protein context (NP_002445.2, residues 541-561): IMVGPGTGIA[Pro551=]FIGFLQHREK